The following is an entry in ClinVar:

ClinVar aggregate classification (germline): Likely pathogenic (1 of 4 stars; one submission).

Conditions:
Glycogen storage disease, type II (IOPD). Also called: Glucosidase acid-1,4-alpha deficiency; Pompe Disease; GLYCOGENOSIS, GENERALIZED, CARDIAC FORM; GSD II; CARDIOMEGALIA GLYCOGENICA DIFFUSA; Glycogen storage disease type 2. Identifiers: Orphanet 365, MedGen C0017921, MONDO:0009290, OMIM 232300.

Submission:

Myriad Genetics, Inc.
Classification: Likely pathogenic for Glycogen storage disease, type II. Last evaluated: 2022-03-14. Review status: criteria provided, single submitter. Criteria: Myriad Women's Health Autosomal Recessive and X-Linked Classification Criteria (2021). Collection method: clinical testing. Allele origin: unknown.
Comment: NM_000152.3(GAA):c.1814delG(G605Afs*91) is expected to be pathogenic in the context of Pompe disease. This variant is predicted to lead to an abnormal or absent protein product due to the creation of a premature termination codon in GAA, a gene where loss-of-function variants are known to be pathogenic. Please note: this variant was assessed in the context of healthy population screening.

NM_000152.5(GAA):c.1814del (p.Gly605fs)

Gene: GAA (alpha glucosidase; plus strand). Cytogenetic location: 17q25.3.
Variant type: Deletion.
Coding change: c.1814del on transcript NM_000152.5 (MANE Select); coding-DNA position 1814, one base deleted (G; older notation c.1814delG).
Protein change: p.Gly605fs; shifts the reading frame from glycine 605.
Molecular consequence: frameshift variant.
Genome position (GRCh38, 1-based): chr17:80,112,637, G deleted; the last of 2 consecutive G bases (chr17:80,112,636-80,112,637); deleting either gives the same sequence. VCF-style (leftmost placement, unchanged base first): chr17-80112635-TG-T. GRCh37 (hg19) VCF-style: chr17-78086434-TG-T.
Other names: c.1814del, p.Gly605fs (NM_001079803.3, NM_001079804.3); c.1814delG, p.Gly605Alafs (NM_001406741.1, NM_001406742.1); short protein forms G605fs.
Identifiers: ClinVar variation 1725213 (VCV001725213.2), dbSNP rs2510381384, ClinGen allele CA2580095785.